The following is an entry in ClinVar:

NM_002230.4(JUP):c.1852del (p.Ala618fs)

Gene: JUP (junction plakoglobin; minus strand). Cytogenetic location: 17q21.2.
Variant type: Deletion.
Coding change: c.1852del on transcript NM_002230.4 (MANE Select); coding-DNA position 1852, one base deleted (G; older notation c.1852delG).
Protein change: p.Ala618fs; shifts the reading frame from alanine 618.
Molecular consequence: frameshift variant.
Genome position (GRCh38, 1-based): chr17:41,757,706, C deleted on the plus strand (G on the coding strand, the reverse complement: JUP is on the minus strand); the first of 2 consecutive C bases (chr17:41,757,706-41,757,707); deleting either gives the same sequence. VCF-style (leftmost placement, unchanged base first): chr17-41757705-GC-G. GRCh37 (hg19) VCF-style: chr17-39913957-GC-G.
Other names: c.1852del, p.Ala618fs (NM_001352773.2, NM_001352774.2, NM_001352775.2 and 3 more transcripts); short protein forms A618fs.
Identifiers: ClinVar variation 4787325 (VCV004787325.1).
Genomic context (GRCh38, chr17:41,757,705, plus strand): 5'-TTGCGGGAGTGCAGCAACTCCATGAGTGGGGCCGAGGCCCCCTCTGCATCAATGGCGTCG[GC>G]CGCCTCCTTGTCCTGGGCCAGCTCACACAGCACCCCGGCAGCCACGCGCTGGATGTTCTC-3'

ClinVar aggregate classification (germline): Pathogenic (1 of 4 stars; one submission).

Conditions:
Naxos disease (NXD). Also called: KERATOSIS PALMOPLANTARIS WITH ARRHYTHMOGENIC CARDIOMYOPATHY; MAL DE NAXOS; PALMOPLANTAR KERATODERMA WITH ARRHYTHMOGENIC RIGHT VENTRICULAR CARDIOMYOPATHY AND WOOLLY HAIR; WOOLLY HAIR, PALMOPLANTAR KERATODERMA, AND CARDIAC ABNORMALITIES; CARDIOMYOPATHY, ARRHYTHMOGENIC RIGHT VENTRICULAR, WITH SKIN, HAIR, AND NAIL ABNORMALITIES. Identifiers: Orphanet 34217, MedGen C1832600, MONDO:0011017, OMIM 601214.
Arrhythmogenic right ventricular dysplasia 12. Also called: ARRHYTHMOGENIC RIGHT VENTRICULAR DYSPLASIA, FAMILIAL, 12. Identifiers: MedGen C1969081, MONDO:0012684, OMIM 611528.

Submission:

Labcorp Genetics (formerly Invitae), Labcorp
Classification: Pathogenic for Arrhythmogenic right ventricular dysplasia 12; Naxos disease. Last evaluated: 2026-01-20. Review status: criteria provided, single submitter. Criteria: Invitae Variant Classification Sherloc (09022015). Collection method: clinical testing. Allele origin: germline.
Comment: This sequence change creates a premature translational stop signal (p.Ala618Profs*69) in the JUP gene. While this is not anticipated to result in nonsense mediated decay, it is expected to disrupt the last 128 amino acid(s) of the JUP protein. This variant is not present in population databases (gnomAD no frequency). This variant has not been reported in the literature in individuals affected with JUP-related conditions. This variant disrupts a region of the JUP protein in which other variant(s) (p.Trp680Glyfs*11) have been determined to be pathogenic (PMID: 10902626). This suggests that this is a clinically significant region of the protein, and that variants that disrupt it are likely to be disease-causing. For these reasons, this variant has been classified as Pathogenic.

Literature cited by the submitters: PubMed 10902626.